The following is an entry in ClinVar:

ClinVar aggregate classification (germline): Uncertain significance. Review status: criteria provided, multiple submitters, no conflicts (2 of 4 stars). 2 submissions from 2 submitters: Uncertain significance (2). Last evaluated 2025-10-07.

Conditions:
Hereditary cancer-predisposing syndrome. Also called: Neoplastic Syndromes, Hereditary; Tumor predisposition; Hereditary Cancer Syndrome; Hereditary neoplastic syndrome. Identifiers: Orphanet 140162, MedGen C0027672, MeSH D009386, MONDO:0015356.
Tuberous sclerosis 2 (TSC2). Identifiers: Orphanet 805, MedGen C1860707, MONDO:0013199, OMIM 613254.

gnomAD v4.1: 1 of 1,612,522 alleles (0.000062%); highest among the groups gnomAD compares: Non-Finnish European, 0.000085%; no homozygotes.

Submissions (2):

Labcorp Genetics (formerly Invitae), Labcorp
Classification: Uncertain significance for Tuberous sclerosis 2. Last evaluated: 2025-10-07. Review status: criteria provided, single submitter. Criteria: Invitae Variant Classification Sherloc (09022015). Collection method: clinical testing. Allele origin: germline.
Comment: This sequence change replaces serine, which is neutral and polar, with threonine, which is neutral and polar, at codon 989 of the TSC2 protein (p.Ser989Thr). This variant also falls at the last nucleotide of exon 26, which is part of the consensus splice site for this exon. This variant is not present in population databases (gnomAD no frequency). This variant has not been reported in the literature in individuals affected with TSC2-related conditions. ClinVar contains an entry for this variant (Variation ID: 535978). An algorithm developed to predict the effect of missense changes on protein structure and function (PolyPhen-2) suggests that this variant is likely to be tolerated. Variants that disrupt the consensus splice site are a relatively common cause of aberrant splicing (PMID: 17576681, 9536098). RNA analysis provides insufficient evidence to determine the effect of this variant on TSC2 splicing (internal data). In summary, the available evidence is currently insufficient to determine the role of this variant in disease. Therefore, it has been classified as a Variant of Uncertain Significance.

Ambry Genetics
Classification: Uncertain significance for Hereditary cancer-predisposing syndrome. Last evaluated: 2025-05-13. Review status: criteria provided, single submitter. Criteria: Ambry Variant Classification Scheme 2023. Collection method: clinical testing. Allele origin: germline.
Comment: The c.2966G>C variant (also known as p.S989T), located in coding exon 25 of the TSC2 gene, results from a G to C substitution at nucleotide position 2966. The amino acid change results in serine to threonine at codon 989, an amino acid with similar properties. However, this change occurs in the last base pair of coding exon 25, which makes it likely to have some effect on normal mRNA splicing. This nucleotide position is highly conserved in available vertebrate species. In silico splice site analysis predicts that this alteration will weaken the native splice donor site; however direct evidence is insufficient. In addition, this variant occurs in an exon that is absent in biologically relevant transcripts (Ekong R et al. Hum. Mutat., 2016 Apr;37:364-70); therefore the clinical impact is uncertain. As a missense substitution, this alteration is predicted to be tolerated by in silico analysis. Since supporting evidence is limited at this time, the clinical significance of this alteration remains unclear.

Literature cited by the submitters: PubMed 17576681 (cited by Labcorp Genetics (formerly Invitae), Labcorp); PubMed 9536098 (cited by Labcorp Genetics (formerly Invitae), Labcorp).

NM_000548.5(TSC2):c.2966G>C (p.Ser989Thr)

Gene: TSC2 (TSC complex subunit 2; plus strand). Cytogenetic location: 16p13.3.
Variant type: single nucleotide variant.
Coding change: c.2966G>C on transcript NM_000548.5 (MANE Select); coding-DNA position 2966, G replaced by C.
Protein change: p.Ser989Thr; replaces serine 989 with threonine.
Molecular consequence: missense variant. On other transcripts: intron variant (9).
Genome position (GRCh38, 1-based): chr16:2,077,726, G>C. VCF-style: chr16-2077726-G-C. GRCh37 (hg19) VCF-style: chr16-2127727-G-C.
Other names: c.2966G>C, p.Ser989Thr (NM_001114382.3); c.2837+1141G>C (NM_021055.3, NM_001370405.1, NM_001363528.2 and 2 more transcripts); c.2726+1141G>C (NM_001318827.2); c.2237+1141G>C (NM_001318831.2); c.2690+1141G>C (NM_001318829.2); c.2870+1141G>C (NM_001318832.2); short protein forms S989T.
Identifiers: ClinVar variation 535978 (VCV000535978.14), dbSNP rs1555509538, ClinGen allele CA394281615.